The following is an entry in ClinVar:

NM_206933.4(USH2A):c.4403C>G (p.Ala1468Gly)

Gene: USH2A (usherin; minus strand). Cytogenetic location: 1q41.
Variant type: single nucleotide variant.
Coding change: c.4403C>G on transcript NM_206933.4 (MANE Select); coding-DNA position 4403, C replaced by G.
Protein change: p.Ala1468Gly; replaces alanine 1468 with glycine.
Molecular consequence: missense variant.
Genome position (GRCh38, 1-based): chr1:216,175,476, G>C on the plus strand (C>G on the coding strand, the complement: USH2A is on the minus strand). VCF-style: chr1-216175476-G-C. GRCh37 (hg19) VCF-style: chr1-216348818-G-C.
Other names: c.4403C>G, p.Ala1468Gly (NM_007123.6); short protein forms A1468G.
Identifiers: ClinVar variation 1063783 (VCV001063783.4), dbSNP rs2102641265, ClinGen allele CA344863963.

ClinVar aggregate classification (germline): Uncertain significance (1 of 4 stars; one submission).

Allele frequency attached by ClinVar (database versions not stated): gnomAD exomes below 0.00001.
gnomAD v4.1: 3 of 1,613,654 alleles (0.00019%); highest among the groups gnomAD compares: Non-Finnish European, 0.00025%; no homozygotes.

Submission:

Labcorp Genetics (formerly Invitae), Labcorp
Classification: Uncertain significance. Last evaluated: 2024-11-05. Review status: criteria provided, single submitter. Criteria: Invitae Variant Classification Sherloc (09022015). Collection method: clinical testing. Allele origin: germline.
Comment: This sequence change replaces alanine, which is neutral and non-polar, with glycine, which is neutral and non-polar, at codon 1468 of the USH2A protein (p.Ala1468Gly). This variant is not present in population databases (gnomAD no frequency). This variant has not been reported in the literature in individuals affected with USH2A-related conditions. ClinVar contains an entry for this variant (Variation ID: 1063783). Invitae Evidence Modeling of protein sequence and biophysical properties (such as structural, functional, and spatial information, amino acid conservation, physicochemical variation, residue mobility, and thermodynamic stability) indicates that this missense variant is not expected to disrupt USH2A protein function with a negative predictive value of 95%. In summary, the available evidence is currently insufficient to determine the role of this variant in disease. Therefore, it has been classified as a Variant of Uncertain Significance.